The following is an entry in ClinVar:

ClinVar aggregate classification (germline): Uncertain significance (1 of 4 stars; one submission).

Allele frequency attached by ClinVar (database versions not stated): gnomAD exomes below 0.00001; TOPMed below 0.00001; gnomAD 0.00001.
gnomAD v4.1: 4 of 1,611,464 alleles (0.00025%); highest among the groups gnomAD compares: Non-Finnish European, 0.00034%; no homozygotes.

Submission:

CeGaT Center for Human Genetics Tuebingen
Classification: Uncertain significance. Last evaluated: 2024-02-01. Review status: criteria provided, single submitter. Criteria: CeGaT Center For Human Genetics Tuebingen Variant Classification Criteria Version 2. Collection method: clinical testing. Allele origin: germline. Affected: yes. Observed: 1 variant allele.
Comment: KMT2C: PM2

NM_170606.3(KMT2C):c.5017A>G (p.Thr1673Ala)

Gene: KMT2C (lysine methyltransferase 2C; minus strand). Cytogenetic location: 7q36.1.
Variant type: single nucleotide variant.
Coding change: c.5017A>G on transcript NM_170606.3 (MANE Select); coding-DNA position 5017, A replaced by G.
Protein change: p.Thr1673Ala; replaces threonine 1673 with alanine.
Molecular consequence: missense variant.
Genome position (GRCh38, 1-based): chr7:152,185,623, T>C on the plus strand (A>G on the coding strand, the complement: KMT2C is on the minus strand). VCF-style: chr7-152185623-T-C. GRCh37 (hg19) VCF-style: chr7-151882708-T-C.
Other names: short protein forms T1673A.
Identifiers: ClinVar variation 3027246 (VCV003027246.22), dbSNP rs1482526837, ClinGen allele CA370101788.